The following is an entry in ClinVar:

ClinVar aggregate classification (germline): Pathogenic (1 of 4 stars; one submission).

Submission:

GeneDx
Classification: Pathogenic. Last evaluated: 2018-05-22. Review status: criteria provided, single submitter. Criteria: GeneDx Variant Classification (06012015). Collection method: clinical testing. Allele origin: germline. Affected: yes.
Comment: The G1068E variant has not been published as a pathogenic variant, nor has it been reported as a benign variant to our knowledge. G1068E occurs in the triple helical domain and replaces the Glycine in the canonical Gly-X-Y repeat. Variants in these Glycines result in poor winding of the collagen triple helix and a less functional protein. The G1068E variant is not observed in large population cohorts (Lek et al., 2016). The G1068E variant is a non-conservative amino acid substitution, which is likely to impact secondary protein structure as these residues differ in polarity, charge, size and/or other properties. In-silico analyses, including protein predictors and evolutionary conservation, support a deleterious effect. We classify G1068E as a pathogenic variant.

NM_001844.5(COL2A1):c.3203G>A (p.Gly1068Glu)

Gene: COL2A1 (collagen type II alpha 1 chain; minus strand). Cytogenetic location: 12q13.11.
Variant type: single nucleotide variant.
Coding change: c.3203G>A on transcript NM_001844.5 (MANE Select); coding-DNA position 3203, G replaced by A.
Protein change: p.Gly1068Glu; replaces glycine 1068 with glutamic acid.
Molecular consequence: missense variant.
Genome position (GRCh38, 1-based): chr12:47,977,390, C>T on the plus strand (G>A on the coding strand, the complement: COL2A1 is on the minus strand). VCF-style: chr12-47977390-C-T. GRCh37 (hg19) VCF-style: chr12-48371173-C-T.
Other names: c.2996G>A, p.Gly999Glu (NM_033150.3); short protein forms G1068E, G999E.
Identifiers: ClinVar variation 546495 (VCV000546495.2), dbSNP rs1555165195, ClinGen allele CA384540378.